The following is an entry in ClinVar:

ClinVar aggregate classification (germline): Benign (0 of 4 stars; one submission).

Conditions:
PDZD2-related disorder. Also called: PDZD2-related condition.

Allele frequency attached by ClinVar (database versions not stated): gnomAD exomes 0.00601; ExAC 0.02036; gnomAD 0.06241; TOPMed 0.06992; ESP Exome Variant Server 0.07158; 1000 Genomes Project 0.08486; 1000 Genomes Project 30x 0.08901.
gnomAD v4.1: 18,683 of 1,606,870 alleles (1.2%); highest among the groups gnomAD compares: African/African-American, 22%; 1,834 homozygotes.

Submission:

PreventionGenetics, part of Exact Sciences
Classification: Benign for PDZD2-related condition. Last evaluated: 2019-03-18. Review status: no assertion criteria provided. Collection method: clinical testing. Allele origin: germline.
Comment: This variant is classified as benign based on ACMG/AMP sequence variant interpretation guidelines (Richards et al. 2015 PMID: 25741868, with internal and published modifications).

NM_178140.4(PDZD2):c.7794A>G (p.Gly2598=)

Gene: PDZD2 (PDZ domain containing 2; plus strand). Cytogenetic location: 5p13.3.
Variant type: single nucleotide variant.
Coding change: c.7794A>G on transcript NM_178140.4 (MANE Select); coding-DNA position 7794, A replaced by G.
Protein change: p.Gly2598=; no amino-acid change (glycine 2598 retained).
Molecular consequence: synonymous variant.
Genome position (GRCh38, 1-based): chr5:32,092,973, A>G. VCF-style: chr5-32092973-A-G. GRCh37 (hg19) VCF-style: chr5-32093079-A-G.
Identifiers: ClinVar variation 3055687 (VCV003055687.2), dbSNP rs16889443, ClinGen allele CA3220389.